The following is an entry in ClinVar:

ClinVar aggregate classification (germline): Uncertain significance. Review status: criteria provided, multiple submitters, no conflicts (2 of 4 stars). 3 submissions from 3 submitters: Uncertain significance (3). Last evaluated 2025-08-05.

Conditions:
Inborn genetic diseases. Identifiers: MedGen C0950123, MeSH D030342.
Muscular dystrophy-dystroglycanopathy (congenital with brain and eye anomalies), type A14. Also called: WALKER-WARBURG SYNDROME OR MUSCLE-EYE-BRAIN DISEASE, GMPPB-RELATED; Congenital Muscular Dystrophy-Dystroglycanopathy with Brain and Eye Anomalies Type A 14; Congenital muscular dystrophy-dystroglycanopathy with brain and eye anomalies, type A14; Muscular dystrophy-dystroglycanopathy (congenital with brain and eye anomalies), type a, 14. Identifiers: Orphanet 588, MedGen C3809216, MONDO:0014140, OMIM 615350.
Muscular dystrophy-dystroglycanopathy (congenital with impaired intellectual development), type B, 14. Also called: Muscular dystrophy-dystroglycanopathy (congenital with intellectual disability), type B14; MUSCULAR DYSTROPHY, CONGENITAL, GMPPB-RELATED; Congenital muscular dystrophy-dystroglycanopathy with mental retardation, type B14. Identifiers: MedGen C3809221, MONDO:0014141, OMIM 615351.
Autosomal recessive limb-girdle muscular dystrophy type 2T. Also called: MUSCULAR DYSTROPHY-DYSTROGLYCANOPATHY, LIMB-GIRDLE, GMPPB-RELATED; Limb-girdle muscular dystrophy-dystroglycanopathy, type C14; MUSCULAR DYSTROPHY, LIMB-GIRDLE, TYPE 2T; Muscular dystrophy-dystroglycanopathy (limb-girdle), type c, 14. Identifiers: Orphanet 363623, MedGen C4518000, MONDO:0014142, OMIM 615352.

Allele frequency attached by ClinVar (database versions not stated): gnomAD 0.00001; TOPMed 0.00002; ExAC 0.00002.
gnomAD v4.1: 28 of 1,613,822 alleles (0.0017%); highest among the groups gnomAD compares: East Asian, 0.0045%; no homozygotes.

Submissions (3):

Ambry Genetics
Classification: Uncertain significance for Inborn genetic diseases. Last evaluated: 2025-08-05. Review status: criteria provided, single submitter. Criteria: Ambry Variant Classification Scheme 2023. Collection method: clinical testing. Allele origin: germline.

Labcorp Genetics (formerly Invitae), Labcorp
Classification: Uncertain significance for Autosomal recessive limb-girdle muscular dystrophy type 2T; Muscular dystrophy-dystroglycanopathy (congenital with brain and eye anomalies), type A14; Muscular dystrophy-dystroglycanopathy (congenital with impaired intellectual development), type B, 14. Last evaluated: 2022-05-29. Review status: criteria provided, single submitter. Criteria: Invitae Variant Classification Sherloc (09022015). Collection method: clinical testing. Allele origin: germline.
Comment: ClinVar contains an entry for this variant (Variation ID: 953830). This variant has not been reported in the literature in individuals affected with GMPPB-related conditions. This variant is present in population databases (rs752805529, gnomAD 0.006%). This sequence change replaces valine, which is neutral and non-polar, with methionine, which is neutral and non-polar, at codon 160 of the GMPPB protein (p.Val160Met). In summary, the available evidence is currently insufficient to determine the role of this variant in disease. Therefore, it has been classified as a Variant of Uncertain Significance. Algorithms developed to predict the effect of missense changes on protein structure and function are either unavailable or do not agree on the potential impact of this missense change (SIFT: "Deleterious"; PolyPhen-2: "Possibly Damaging"; Align-GVGD: "Class C0").

Revvity Omics, Revvity
Classification: Uncertain significance. Last evaluated: 2019-08-21. Review status: criteria provided, single submitter. Criteria: ACMG Guidelines, 2015. Collection method: clinical testing. Allele origin: germline.

NM_021971.4(GMPPB):c.478G>A (p.Val160Met)

Gene: GMPPB (GDP-mannose pyrophosphorylase B; minus strand). Cytogenetic location: 3p21.31.
Variant type: single nucleotide variant.
Coding change: c.478G>A on transcript NM_021971.4 (MANE Select); coding-DNA position 478, G replaced by A.
Protein change: p.Val160Met; replaces valine 160 with methionine.
Molecular consequence: missense variant.
Genome position (GRCh38, 1-based): chr3:49,722,679, C>T on the plus strand (G>A on the coding strand, the complement: GMPPB is on the minus strand). VCF-style: chr3-49722679-C-T. GRCh37 (hg19) VCF-style: chr3-49760112-C-T.
Other names: c.478G>A, p.Val160Met (NM_013334.4); c.478G>A (NM_013334.2, NM_013334.3); short protein forms V160M.
Identifiers: ClinVar variation 953830 (VCV000953830.8), dbSNP rs752805529, ClinGen allele CA2405544.